The following is an entry in ClinVar:

ClinVar aggregate classification (germline): Uncertain significance (0 of 4 stars; one submission).

Conditions:
PLXNA3-related disorder. Also called: PLXNA3-related condition.

Submission:

PreventionGenetics, part of Exact Sciences
Classification: Uncertain significance for PLXNA3-related condition. Last evaluated: 2024-04-25. Review status: no assertion criteria provided. Collection method: clinical testing. Allele origin: germline.
Comment: The PLXNA3 c.3707C>T variant is predicted to result in the amino acid substitution p.Thr1236Ile. To our knowledge, this variant has not been reported in the literature or in a large population database, indicating this variant is rare. At this time, the clinical significance of this variant is uncertain due to the absence of conclusive functional and genetic evidence.

NM_017514.5(PLXNA3):c.3707C>T (p.Thr1236Ile)

Gene: PLXNA3 (plexin A3; plus strand). Cytogenetic location: Xq28.
Variant type: single nucleotide variant.
Coding change: c.3707C>T on transcript NM_017514.5 (MANE Select); coding-DNA position 3707, C replaced by T.
Protein change: p.Thr1236Ile; replaces threonine 1236 with isoleucine.
Molecular consequence: missense variant.
Genome position (GRCh38, 1-based): chrX:154,467,888, C>T. VCF-style: chrX-154467888-C-T. GRCh37 (hg19) VCF-style: chrX-153696231-C-T.
Other names: short protein forms T1236I.
Identifiers: ClinVar variation 3345201 (VCV003345201.1).